The following is an entry in ClinVar:

NM_032271.3(TRAF7):c.1061_1067delinsACCGGCC (p.Phe354_Arg356delinsTyrArgPro)

Gene: TRAF7 (TNF receptor associated factor 7; plus strand). Cytogenetic location: 16p13.3.
Variant type: Indel.
Coding change: c.1061_1067delinsACCGGCC on transcript NM_032271.3 (MANE Select); coding-DNA positions 1061 to 1067, TCCGGCG replaced by ACCGGCC.
Protein change: p.Phe354_Arg356delinsTyrArgPro.
Molecular consequence: missense variant.
Genome position (GRCh38, 1-based): chr16:2,173,529-2,173,535, TCCGGCG replaced by ACCGGCC. VCF-style: chr16-2173529-TCCGGCG-ACCGGCC. GRCh37 (hg19) VCF-style: chr16-2223530-TCCGGCG-ACCGGCC.
Identifiers: ClinVar variation 1700518 (VCV001700518.2), dbSNP rs2141289976, ClinGen allele CA2580090965.

ClinVar aggregate classification (germline): Uncertain significance (1 of 4 stars; one submission).

Submission:

GeneDx
Classification: Uncertain significance. Last evaluated: 2022-08-01. Review status: criteria provided, single submitter. Criteria: GeneDx Variant Classification Process June 2021. Collection method: clinical testing. Allele origin: germline. Affected: yes.
Comment: Not observed at significant frequency in large population cohorts (gnomAD); In silico analysis supports a deleterious effect on protein structure/function; Has not been previously published as pathogenic or benign to our knowledge